The following is an entry in ClinVar:

ClinVar aggregate classification (germline): Uncertain significance (1 of 4 stars; one submission).

Submission:

GeneDx
Classification: Uncertain significance. Last evaluated: 2019-10-14. Review status: criteria provided, single submitter. Criteria: GeneDx Variant Classification Process June 2021. Collection method: clinical testing. Allele origin: germline. Affected: yes.
Comment: Not observed in large population cohorts (Lek et al., 2016); Frameshift variant predicted to result in protein truncation as the last 316 amino acids are lost and replaced with 107 incorrect amino acids, although loss-of-function variants have not been reported downstream of this position in the protein; Has not been previously published as pathogenic or benign to our knowledge; Variants in candidate genes are classified as variants of uncertain significance in accordance with ACMG guidelines (Richards et al., 2015)

NM_006237.4(POU4F1):c.302_309dup (p.His104fs)

Genes: OBI1-AS1 (OBI1 antisense RNA 1; plus strand), POU4F1 (POU class 4 homeobox 1; minus strand). Cytogenetic location: 13q31.1.
Variant type: Duplication.
Coding change: c.302_309dup on transcript NM_006237.4 (MANE Select); coding-DNA positions 302 to 309, 8 bases duplicated (ACCACCAC; older notation c.302_309dupACCACCAC).
Protein change: p.His104fs; shifts the reading frame from histidine 104.
Molecular consequence: frameshift variant.
Genome position (GRCh38, 1-based): chr13:78,602,366-78,602,373, GTGGTGGT duplicated on the plus strand (ACCACCAC on the coding strand, the reverse complement: POU4F1 is on the minus strand); duplicating any 8 consecutive bases within chr13:78,602,366-78,602,374 gives the same sequence; the c. name uses the placement nearest the transcript's 3' end. VCF-style (leftmost placement, unchanged base first): chr13-78602365-G-GGTGGTGGT. GRCh37 (hg19) VCF-style: chr13-79176500-G-GGTGGTGGT.
Other names: short protein forms H104fs.
Identifiers: ClinVar variation 1178627 (VCV001178627.2), dbSNP rs1874748504, ClinGen allele CA2104181107.
Genomic context (GRCh38, chr13:78,602,365, plus strand): 5'-ACGGCGAGGAGATGTGGTCCAGCAGATCGCCGGGTTCGAGCGCCTGGTGGTGGTGGTGGT[G>GGTGGTGGT]GTGGTGGTGGTGCGCCAGAGGCACCGTGGAAGTGGACGTGCACGGCACGCTGTTCATCGT-3'